The following is an entry in ClinVar:

ClinVar aggregate classification (germline): Uncertain significance (1 of 4 stars; one submission).

Conditions:
Baller-Gerold syndrome (BGS). Also called: CRANIOSYNOSTOSIS WITH RADIAL DEFECTS. Identifiers: Orphanet 1225, MedGen C0265308, MONDO:0009039, OMIM 218600.

Submission:

Labcorp Genetics (formerly Invitae), Labcorp
Classification: Uncertain significance for Baller-Gerold syndrome. Last evaluated: 2019-07-11. Review status: criteria provided, single submitter. Criteria: Invitae Variant Classification Sherloc (09022015). Collection method: clinical testing. Allele origin: germline.
Comment: In summary, the available evidence is currently insufficient to determine the role of this variant in disease. Therefore, it has been classified as a Variant of Uncertain Significance. This sequence change replaces arginine with leucine at codon 1182 of the RECQL4 protein (p.Arg1182Leu). The arginine residue is highly conserved and there is a moderate physicochemical difference between arginine and leucine. This variant is not present in population databases (ExAC no frequency). This variant has not been reported in the literature in individuals with RECQL4-related conditions. Algorithms developed to predict the effect of missense changes on protein structure and function (SIFT, PolyPhen-2, Align-GVGD) all suggest that this variant is likely to be disruptive, but these predictions have not been confirmed by published functional studies and their clinical significance is uncertain.

NM_004260.4(RECQL4):c.3545_3546delinsTT (p.Arg1182Leu)

Gene: RECQL4 (RecQ like helicase 4; minus strand). Cytogenetic location: 8q24.3.
Variant type: Indel.
Coding change: c.3545_3546delinsTT on transcript NM_004260.4 (MANE Select); coding-DNA positions 3545 to 3546, GC replaced by TT.
Protein change: p.Arg1182Leu; replaces arginine 1182 with leucine.
Molecular consequence: missense variant.
Genome position (GRCh38, 1-based): chr8:144,511,512-144,511,513, GC replaced by AA on the plus strand (GC replaced by TT on the coding strand, the reverse complement: RECQL4 is on the minus strand). VCF-style: chr8-144511512-GC-AA. GRCh37 (hg19) VCF-style: chr8-145736895-GC-AA.
Other names: short protein forms R1182L.
Identifiers: ClinVar variation 856454 (VCV000856454.5), dbSNP rs1827186377, ClinGen allele CA916083020.